The following is an entry in ClinVar:

ClinVar aggregate classification (germline): Uncertain significance. Review status: criteria provided, multiple submitters, no conflicts (2 of 4 stars). 2 submissions from 2 submitters: Uncertain significance (2). Last evaluated 2026-02-10.

Conditions:
Multiple endocrine neoplasia, type 1 (MEN1). Also called: MEN I; WERMER SYNDROME; Endocrine adenomatosis multiple; MEN 1; MEA I. Identifiers: Orphanet 652, MedGen C0025267, MeSH D018761, MONDO:0007540, OMIM 131100.
Hereditary cancer-predisposing syndrome. Also called: Hereditary Cancer Syndrome; Neoplastic Syndromes, Hereditary; Tumor predisposition; Hereditary neoplastic syndrome. Identifiers: Orphanet 140162, MedGen C0027672, MeSH D009386, MONDO:0015356.

Submissions (2):

Ambry Genetics
Classification: Uncertain significance for Hereditary cancer-predisposing syndrome. Last evaluated: 2026-02-10. Review status: criteria provided, single submitter. Criteria: Ambry Variant Classification Scheme 2023. Collection method: clinical testing. Allele origin: germline.
Comment: The p.G396D variant (also known as c.1187G>A), located in coding exon 8 of the MEN1 gene, results from a G to A substitution at nucleotide position 1187. The glycine at codon 396 is replaced by aspartic acid, an amino acid with similar properties. This amino acid position is well conserved in available vertebrate species. In addition, the in silico prediction for this alteration is inconclusive. Based on the available evidence, the clinical significance of this variant remains unclear.

Labcorp Genetics (formerly Invitae), Labcorp
Classification: Uncertain significance for Multiple endocrine neoplasia, type 1. Last evaluated: 2024-06-30. Review status: criteria provided, single submitter. Criteria: Invitae Variant Classification Sherloc (09022015). Collection method: clinical testing. Allele origin: germline.
Comment: This sequence change replaces glycine, which is neutral and non-polar, with aspartic acid, which is acidic and polar, at codon 396 of the MEN1 protein (p.Gly396Asp). This variant is not present in population databases (gnomAD no frequency). This variant has not been reported in the literature in individuals affected with MEN1-related conditions. An algorithm developed to predict the effect of missense changes on protein structure and function (PolyPhen-2) suggests that this variant is likely to be tolerated. In summary, the available evidence is currently insufficient to determine the role of this variant in disease. Therefore, it has been classified as a Variant of Uncertain Significance.

NM_001370259.2(MEN1):c.1187G>A (p.Gly396Asp)

Gene: MEN1 (menin 1; minus strand). Cytogenetic location: 11q13.1.
Variant type: single nucleotide variant.
Coding change: c.1187G>A on transcript NM_001370259.2 (MANE Select); coding-DNA position 1187, G replaced by A.
Protein change: p.Gly396Asp; replaces glycine 396 with aspartic acid.
Molecular consequence: missense variant. On other transcripts: non-coding transcript variant (4), intron variant (1).
Genome position (GRCh38, 1-based): chr11:64,805,197, C>T on the plus strand (G>A on the coding strand, the complement: MEN1 is on the minus strand). VCF-style: chr11-64805197-C-T. GRCh37 (hg19) VCF-style: chr11-64572669-C-T.
Other names: c.1202G>A, p.Gly401Asp (NM_000244.4, NM_130800.3, NM_130801.3 and 4 more transcripts); c.1313G>A, p.Gly438Asp (NM_001370251.2, NM_001407142.1, NM_001407143.1 and 1 more transcripts); c.1187G>A, p.Gly396Asp (NM_001370260.2, NM_001370261.2, NM_001407146.1 and 2 more transcripts); c.1082G>A, p.Gly361Asp (NM_001370262.2, NM_001370263.2, NM_001407148.1 and 1 more transcripts); c.1186-381G>A (NM_001407152.1); c.1328G>A, p.Gly443Asp (NM_001407150.1); c.1208G>A, p.Gly403Asp (NM_001407151.1); short protein forms G396D, G361D, G443D, G401D, G403D, G438D.
Identifiers: ClinVar variation 3698418 (VCV003698418.3).